The following is an entry in ClinVar:

ClinVar aggregate classification (germline): Pathogenic/Likely pathogenic. Review status: criteria provided, multiple submitters, no conflicts (2 of 4 stars). 3 submissions from 3 submitters: Pathogenic (2); Likely pathogenic (1). Last evaluated 2026-09-21.

Conditions:
Ciliary dyskinesia, primary, 40. Also called: CILIARY DYSKINESIA, PRIMARY, 40, WITH OR WITHOUT SITUS INVERSUS. Identifiers: MedGen C4749028, MONDO:0032664, OMIM 618300.

Allele frequency attached by ClinVar (database versions not stated): gnomAD 0.00001; gnomAD exomes 0.00001 and 0.00005; TOPMed 0.00003; ExAC 0.00004.

Submissions (3):

GeneDx
Classification: Likely pathogenic. Last evaluated: 2026-09-21. Review status: criteria provided, single submitter. Criteria: GeneDx Variant Classification Process June 2021. Collection method: clinical testing. Allele origin: germline.
Comment: Frameshift variant predicted to result in protein truncation or nonsense mediated decay in a gene for which loss of function is a known mechanism of disease; This variant is associated with the following publications: (PMID: 35770021, 35050399)

Revvity Omics, Revvity
Classification: Pathogenic for Ciliary dyskinesia, primary, 40. Last evaluated: 2020-03-24. Review status: criteria provided, single submitter. Criteria: ACMG Guidelines, 2015. Collection method: clinical testing. Allele origin: germline.

Juno Genomics, Hangzhou Juno Genomics, Inc
Classification: Pathogenic for Ciliary dyskinesia, primary, 40. Review status: criteria provided, single submitter. Criteria: ACMG Guidelines, 2015. Collection method: clinical testing. Allele origin: germline.
Comment: Absent from controls (or at extremely low frequency if recessive) in Genome Aggregation Database.;Null variant in a gene where loss of function (LOF) is a known mechanism of disease.;For recessive disorders, detected in trans with a pathogenic variant.

NM_001372.4(DNAH9):c.760_761del (p.Phe254fs)

Gene: DNAH9 (dynein axonemal heavy chain 9; plus strand). Cytogenetic location: 17p12.
Variant type: Deletion.
Coding change: c.760_761del on transcript NM_001372.4 (MANE Select); coding-DNA positions 760 to 761, 2 bases deleted (TT; older notation c.760_761delTT).
Protein change: p.Phe254fs; shifts the reading frame from phenylalanine 254.
Molecular consequence: frameshift variant.
Genome position (GRCh38, 1-based): chr17:11,610,541-11,610,542, TT deleted. VCF-style (leftmost placement, unchanged base first): chr17-11610540-GTT-G. GRCh37 (hg19) VCF-style: chr17-11513857-GTT-G.
Other names: short protein forms F254fs.
Identifiers: ClinVar variation 1322757 (VCV001322757.8), dbSNP rs747190555, ClinGen allele CA8394639.
Genomic context (GRCh38, chr17:11,610,540, plus strand): 5'-GAGAGAGTCTTCCCAGCCACTCTTACAAGGGGAGAATCCCACCCCTAAGGTGGAGTTGGA[GTT>G]CTGGAAGAGCAGGTAGGCAAGAAGGCACATGCTGGAAGTCTGGGGTGAAGATGTCTTACA-3'